The following is an entry in ClinVar:

ClinVar aggregate classification (germline): Uncertain significance. Review status: criteria provided, multiple submitters, no conflicts (2 of 4 stars). 3 submissions from 3 submitters: Uncertain significance (3). Last evaluated 2025-01-15.

Conditions:
Inborn genetic diseases. Identifiers: MedGen C0950123, MeSH D030342.
Pseudohypoaldosteronism type 2B (PHA2B). Also called: Pseudohypoaldosteronism Type IIB. Identifiers: Orphanet 757, Orphanet 88939, MedGen C1840390, MONDO:0013777, OMIM 614491.

Submissions (3):

Ambry Genetics
Classification: Uncertain significance for Inborn genetic diseases. Last evaluated: 2025-01-15. Review status: criteria provided, single submitter. Criteria: Ambry Variant Classification Scheme 2023. Collection method: clinical testing. Allele origin: germline.

Labcorp Genetics (formerly Invitae), Labcorp
Classification: Uncertain significance. Last evaluated: 2024-06-30. Review status: criteria provided, single submitter. Criteria: Invitae Variant Classification Sherloc (09022015). Collection method: clinical testing. Allele origin: germline.
Comment: This sequence change replaces arginine, which is basic and polar, with histidine, which is basic and polar, at codon 1199 of the WNK4 protein (p.Arg1199His). The frequency data for this variant in the population databases is considered unreliable, as metrics indicate poor data quality at this position in the gnomAD database. This variant has not been reported in the literature in individuals affected with WNK4-related conditions. Advanced modeling of protein sequence and biophysical properties (such as structural, functional, and spatial information, amino acid conservation, physicochemical variation, residue mobility, and thermodynamic stability) performed at Invitae indicates that this missense variant is not expected to disrupt WNK4 protein function with a negative predictive value of 95%. In summary, the available evidence is currently insufficient to determine the role of this variant in disease. Therefore, it has been classified as a Variant of Uncertain Significance.

Fulgent Genetics
Classification: Uncertain significance for Pseudohypoaldosteronism type 2B. Last evaluated: 2024-02-25. Review status: criteria provided, single submitter. Criteria: ACMG Guidelines, 2015. Collection method: clinical testing. Allele origin: germline.

NM_032387.5(WNK4):c.3596G>A (p.Arg1199His)

Gene: WNK4 (WNK lysine deficient protein kinase 4; plus strand). Cytogenetic location: 17q21.2.
Variant type: single nucleotide variant.
Coding change: c.3596G>A on transcript NM_032387.5 (MANE Select); coding-DNA position 3596, G replaced by A.
Protein change: p.Arg1199His; replaces arginine 1199 with histidine.
Molecular consequence: missense variant.
Genome position (GRCh38, 1-based): chr17:42,796,287, G>A. VCF-style: chr17-42796287-G-A. GRCh37 (hg19) VCF-style: chr17-40948305-G-A.
Other names: c.2588G>A, p.Arg863His (NM_001321299.2); c.3596G>A (NM_032387.4); short protein forms R863H, R1199H.
Identifiers: ClinVar variation 3582071 (VCV003582071.4).